The following is an entry in ClinVar:

NM_000391.4(TPP1):c.520_524del (p.His174fs)

Gene: TPP1 (tripeptidyl peptidase 1; minus strand). Cytogenetic location: 11p15.4.
Variant type: Deletion.
Coding change: c.520_524del on transcript NM_000391.4 (MANE Select); coding-DNA positions 520 to 524, 5 bases deleted (CACCG; older notation c.520_524delCACCG).
Protein change: p.His174fs; shifts the reading frame from histidine 174.
Molecular consequence: frameshift variant.
Genome position (GRCh38, 1-based): chr11:6,617,138-6,617,142, CGGTG deleted on the plus strand (CACCG on the coding strand, the reverse complement: TPP1 is on the minus strand); deleting any 5 consecutive bases within chr11:6,617,138-6,617,143 gives the same sequence; the c. name uses the placement nearest the transcript's 3' end. VCF-style (leftmost placement, unchanged base first): chr11-6617137-ACGGTG-A. GRCh37 (hg19) VCF-style: chr11-6638368-ACGGTG-A.
Other names: short protein forms H174fs.
Identifiers: ClinVar variation 2102315 (VCV002102315.4), dbSNP rs2493799561, ClinGen allele CA2580084016.

ClinVar aggregate classification (germline): Pathogenic (1 of 4 stars; one submission).

Submission:

Labcorp Genetics (formerly Invitae), Labcorp
Classification: Pathogenic. Last evaluated: 2022-02-23. Review status: criteria provided, single submitter. Criteria: Invitae Variant Classification Sherloc (09022015). Collection method: clinical testing. Allele origin: germline.
Comment: For these reasons, this variant has been classified as Pathogenic. This variant has not been reported in the literature in individuals affected with TPP1-related conditions. This variant is not present in population databases (gnomAD no frequency). This sequence change creates a premature translational stop signal (p.His174Phefs*12) in the TPP1 gene. It is expected to result in an absent or disrupted protein product. Loss-of-function variants in TPP1 are known to be pathogenic (PMID: 10330339).

Literature cited by the submitters: PubMed 10330339.